The following is an entry in ClinVar:

ClinVar aggregate classification (germline): Uncertain significance (1 of 4 stars; one submission).

Submission:

GeneDx
Classification: Uncertain significance. Last evaluated: 2022-07-24. Review status: criteria provided, single submitter. Criteria: GeneDx Variant Classification Process June 2021. Collection method: clinical testing. Allele origin: germline. Affected: yes.
Comment: Not observed at significant frequency in large population cohorts (gnomAD); Nonsense variant predicted to result in protein truncation or nonsense mediated decay in a gene or region of a gene for which loss of function is not a well-established mechanism of disease; Has not been previously published as pathogenic or benign to our knowledge

NM_018896.5(CACNA1G):c.4038G>A (p.Trp1346Ter)

Gene: CACNA1G (calcium voltage-gated channel subunit alpha1 G; plus strand). Cytogenetic location: 17q21.33.
Variant type: single nucleotide variant.
Coding change: c.4038G>A on transcript NM_018896.5 (MANE Select); coding-DNA position 4038, G replaced by A.
Protein change: p.Trp1346Ter; replaces tryptophan 1346 with a stop codon.
Molecular consequence: nonsense. On other transcripts: non-coding transcript variant (5).
Genome position (GRCh38, 1-based): chr17:50,603,068, G>A. VCF-style: chr17-50603068-G-A. GRCh37 (hg19) VCF-style: chr17-48680429-G-A.
Other names: c.4038G>A, p.Trp1346Ter (NM_001256324.2, NM_001256325.2, NM_001256326.2 and 16 more transcripts); c.3969G>A, p.Trp1323Ter (NM_001256332.2, NM_198376.3, NM_198379.3 and 5 more transcripts); short protein forms W1323*, W1346*.
Identifiers: ClinVar variation 2412884 (VCV002412884.3), dbSNP rs2545490784, ClinGen allele CA400255734.